The following is an entry in ClinVar:

ClinVar aggregate classification (germline): Pathogenic (1 of 4 stars; one submission).

Conditions:
Cohen syndrome (COH1). Also called: PEPPER SYNDROME; Cutis verticis gyrata, retinitis pigmentosa, and sensorineural deafness. Identifiers: Orphanet 193, MedGen C0265223, MONDO:0008999, OMIM 216550.

Submission:

Labcorp Genetics (formerly Invitae), Labcorp
Classification: Pathogenic for Cohen syndrome. Last evaluated: 2022-10-17. Review status: criteria provided, single submitter. Criteria: Invitae Variant Classification Sherloc (09022015). Collection method: clinical testing. Allele origin: germline.
Comment: This variant is a gross deletion of the genomic region encompassing exon(s) 10-13 of the VPS13B gene. This deletion is out-of-frame, and is expected to create a premature termination codon and result in an absent or disrupted protein product. Loss-of-function variants in VPS13B are known to be pathogenic (PMID: 15141358, 16648375, 20461111). This variant has not been reported in the literature in individuals affected with VPS13B-related conditions. For these reasons, this variant has been classified as Pathogenic.

Literature cited by the submitters: PubMed 15141358; PubMed 16648375; PubMed 20461111.

NC_000008.10:g.(?_100147223)_(100155413_?)del

Gene: VPS13B (vacuolar protein sorting 13 homolog B; plus strand). Cytogenetic location: 8q22.2.
Variant type: Deletion.
Identifiers: ClinVar variation 1074675 (VCV001074675.2).